The following is an entry in ClinVar:

NM_001123385.2(BCOR):c.2423T>A (p.Leu808His)

Gene: BCOR (BCL6 corepressor; minus strand). Cytogenetic location: Xp11.4.
Variant type: single nucleotide variant.
Coding change: c.2423T>A on transcript NM_001123385.2 (MANE Select); coding-DNA position 2423, T replaced by A.
Protein change: p.Leu808His; replaces leucine 808 with histidine.
Molecular consequence: missense variant.
Genome position (GRCh38, 1-based): chrX:40,072,923, A>T on the plus strand (T>A on the coding strand, the complement: BCOR is on the minus strand). VCF-style: chrX-40072923-A-T. GRCh37 (hg19) VCF-style: chrX-39932176-A-T.
Other names: c.2423T>A, p.Leu808His (NM_001123383.2, NM_001123384.2, NM_017745.6); short protein forms L808H.
Identifiers: ClinVar variation 760314 (VCV000760314.7), dbSNP rs151125150, ClinGen allele CA10386790.
Genomic context (GRCh38, chrX:40,072,923, plus strand): 5'-GCTGCAAAGCTGGGTTTGGACACGTTTGTGTCAGTTTTAGCATCTGGTTCTTCTCGGAGA[A>T]GGTCTACGTAGACAAGCTTGTCGCTTTTGACAACAGTCTTCCCTTGATTCCAGTTGGGGT-3'
Protein context (NP_001116857.1, residues 798-818): VKSDKLVYVD[Leu808His]LREEPDAKTD

ClinVar aggregate classification (germline): Benign/Likely benign. Review status: criteria provided, multiple submitters, no conflicts (2 of 4 stars). 4 submissions from 4 submitters: Benign (1); Likely benign (2). 1 of the submissions does not count toward it. Last evaluated 2022-03-17.

Conditions:
BCOR-related disorder. Also called: BCOR-related disorders; BCOR-related condition.
Microphthalmia, syndromic 1 (MCOPS1). Also called: ANOP1. Identifiers: Orphanet 568, Orphanet 85275, MedGen C0796016, MONDO:0010671, OMIM 309800.
Oculofaciocardiodental syndrome (MCOPS2). Identifiers: Orphanet 2712, MedGen C1846265, MONDO:0010261, OMIM 300166.

Allele frequency attached by ClinVar (database versions not stated): gnomAD exomes 0.00007 and 0.00025; ESP Exome Variant Server 0.00095; ExAC 0.00027; TOPMed 0.00076; 1000 Genomes Project 0.00079; gnomAD 0.00079 and 0.00083; 1000 Genomes Project 30x 0.00083.
gnomAD v4.1: 170 of 1,209,512 alleles (0.014%); highest among the groups gnomAD compares: African/African-American, 0.28%; no homozygotes.

Submissions (4):

Blueprint Genetics
Classification: Likely benign. Last evaluated: 2022-03-17. Review status: criteria provided, single submitter. Criteria: ACMG Guidelines, 2015. Collection method: clinical testing. Allele origin: germline.

Fulgent Genetics
Classification: Likely benign for Oculofaciocardiodental syndrome; Microphthalmia, syndromic 1. Last evaluated: 2021-07-08. Review status: criteria provided, single submitter. Criteria: ACMG Guidelines, 2015. Collection method: clinical testing. Allele origin: unknown.

Labcorp Genetics (formerly Invitae), Labcorp
Classification: Benign. Last evaluated: 2018-06-18. Review status: criteria provided, single submitter. Criteria: Invitae Variant Classification Sherloc (09022015). Collection method: clinical testing. Allele origin: germline.

PreventionGenetics, part of Exact Sciences
Classification: Likely benign for BCOR-related condition. Last evaluated: 2019-07-15. Review status: no assertion criteria provided. Collection method: clinical testing. Allele origin: germline. Not counted in ClinVar's aggregate classification.
Comment: This variant is classified as likely benign based on ACMG/AMP sequence variant interpretation guidelines (Richards et al. 2015 PMID: 25741868, with internal and published modifications).